The following is an entry in ClinVar:

ClinVar aggregate classification (germline): Conflicting classifications of pathogenicity. Review status: criteria provided, conflicting classifications (1 of 4 stars). 7 submissions from 7 submitters: Uncertain significance (3); Likely benign (3). 1 of the submissions does not count toward it. Last evaluated 2026-01-24.

Conditions:
Autosomal recessive nonsyndromic hearing loss 12. Also called: DEAFNESS, AUTOSOMAL RECESSIVE 12. Identifiers: Orphanet 90636, MedGen C1832394, MONDO:0011067, OMIM 601386.
Pituitary adenoma 5, multiple types. Identifiers: MedGen C4539685, MONDO:0054601, OMIM 617540.
Usher syndrome type 1D (USH1D). Also called: USHER SYNDROME, TYPE ID. Identifiers: Orphanet 231169, Orphanet 886, MedGen C1832845, MONDO:0010984, OMIM 601067.
CDH23-related disorder. Also called: CDH23-related disorders; CDH23-related condition.
Usher syndrome type 1 (USH1). Also called: RETINITIS PIGMENTOSA AND CONGENITAL DEAFNESS. Identifiers: Orphanet 231169, Orphanet 886, MedGen C1568247, MONDO:0010168, OMIM 276900.

Allele frequency attached by ClinVar (database versions not stated): gnomAD exomes 0.00009 and 0.00013; ExAC 0.00017; ESP Exome Variant Server 0.00024; 1000 Genomes Project 0.00060; 1000 Genomes Project 30x 0.00062; gnomAD 0.00063 and 0.00068; TOPMed 0.00072.
gnomAD v4.1: 232 of 1,613,898 alleles (0.014%); highest among the groups gnomAD compares: African/African-American, 0.25%; 1 homozygote.

Submissions (7):

Labcorp Genetics (formerly Invitae), Labcorp
Classification: Likely benign. Last evaluated: 2026-01-24. Review status: criteria provided, single submitter. Criteria: Invitae Variant Classification Sherloc (09022015). Collection method: clinical testing. Allele origin: germline.

PreventionGenetics, part of Exact Sciences
Classification: Likely benign for CDH23-related condition. Last evaluated: 2024-11-01. Review status: criteria provided, single submitter. Criteria: ACMG Guidelines, 2015. Collection method: clinical testing. Allele origin: germline.
Comment: This variant is classified as likely benign based on ACMG/AMP sequence variant interpretation guidelines (Richards et al. 2015 PMID: 25741868, with internal and published modifications).

Blueprint Genetics
Classification: Likely benign. Last evaluated: 2024-07-19. Review status: criteria provided, single submitter. Criteria: ACMG Guidelines, 2015. Collection method: clinical testing. Allele origin: germline.

GeneDx
Classification: Uncertain significance. Last evaluated: 2024-07-16. Review status: criteria provided, single submitter. Criteria: GeneDx Variant Classification Process June 2021. Collection method: clinical testing. Allele origin: germline. Affected: yes.
Comment: In silico analysis supports that this missense variant has a deleterious effect on protein structure/function; Has not been previously published as pathogenic or benign to our knowledge

Fulgent Genetics
Classification: Uncertain significance for Usher syndrome type 1D; Autosomal recessive nonsyndromic hearing loss 12; Pituitary adenoma 5, multiple types. Last evaluated: 2018-10-31. Review status: criteria provided, single submitter. Criteria: ACMG Guidelines, 2015. Collection method: clinical testing. Allele origin: unknown.

Laboratory for Molecular Medicine, Mass General Brigham Personalized Medicine
Classification: Uncertain significance. Last evaluated: 2011-10-24. Review status: criteria provided, single submitter. Criteria: LMM Criteria. Collection method: clinical testing. Allele origin: germline. Observed: 1 variant allele.
Comment: Variant classified as Uncertain Significance - Favor Benign. The Arg1804Trp vari ant in CDH23 has not been reported in the literature nor previously identified b y our laboratory. Computational analyses (biochemical amino acid properties, hom ology, PolyPhen2, SIFT, AlignGVGD) do not provide strong support for or against pathogenicity. However, another amino acid change at this position (Arg1804Gln) is a common benign variant with a frequency of 3.4%-31.1% in various racial grou ps (dbSNP rs3802711). It should be noted that this lab has only sequenced CDH23 in 16 black probands and no black healthy controls. In addition, healthy control information is limited in either public databases or scientific literature, suc h that the full spectrum of benign variation has not yet been defined for this p opulation. Future analysis could reveal that the Arg1804Trp variant is common in this population and therefore unlikely to be pathogenic. In summary, the clinic al significance of this variant cannot be determined with certainty at this time ; however based upon the arguments described above, we would lean towards a more likely benign role.

Natera, Inc.
Classification: Uncertain significance for Usher syndrome type 1. Last evaluated: 2020-04-16. Review status: no assertion criteria provided. Collection method: clinical testing. Allele origin: germline. Not counted in ClinVar's aggregate classification.

NM_022124.6(CDH23):c.5410C>T (p.Arg1804Trp)

Gene: CDH23 (cadherin related 23; plus strand). Cytogenetic location: 10q22.1.
Variant type: single nucleotide variant.
Coding change: c.5410C>T on transcript NM_022124.6 (MANE Select); coding-DNA position 5410, C replaced by T.
Protein change: p.Arg1804Trp; replaces arginine 1804 with tryptophan.
Molecular consequence: missense variant.
Genome position (GRCh38, 1-based): chr10:71,784,328, C>T. VCF-style: chr10-71784328-C-T. GRCh37 (hg19) VCF-style: chr10-73544085-C-T.
Other names: short protein forms R1804W.
Identifiers: ClinVar variation 45977 (VCV000045977.25), dbSNP rs376271562, ClinGen allele CA137483.